The following is an entry in ClinVar:

ClinVar aggregate classification (germline): Uncertain significance. Review status: criteria provided, multiple submitters, no conflicts (2 of 4 stars). 2 submissions from 2 submitters: Uncertain significance (2). Last evaluated 2024-12-04.

Conditions:
Cardiovascular phenotype. Identifiers: MedGen CN230736.
Duchenne muscular dystrophy (DMD). Also called: MUSCULAR DYSTROPHY, PSEUDOHYPERTROPHIC PROGRESSIVE, DUCHENNE TYPE; Duchenne Muscular Dystrophy (DMD). Identifiers: Orphanet 98896, MedGen C0013264, MONDO:0010679, OMIM 310200.

Allele frequency attached by ClinVar (database versions not stated): ExAC 0.00001; gnomAD exomes 0.00001.
gnomAD v4.1: 13 of 1,209,758 alleles (0.0011%); highest among the groups gnomAD compares: African/African-American, 0.0017%; no homozygotes.

Submissions (2):

Labcorp Genetics (formerly Invitae), Labcorp
Classification: Uncertain significance for Duchenne muscular dystrophy. Last evaluated: 2024-12-04. Review status: criteria provided, single submitter. Criteria: Invitae Variant Classification Sherloc (09022015). Collection method: clinical testing. Allele origin: germline.
Comment: This sequence change replaces histidine, which is basic and polar, with arginine, which is basic and polar, at codon 273 of the DMD protein (p.His273Arg). This variant is not present in population databases (gnomAD no frequency). This variant has not been reported in the literature in individuals affected with DMD-related conditions. ClinVar contains an entry for this variant (Variation ID: 2200247). Invitae Evidence Modeling of protein sequence and biophysical properties (such as structural, functional, and spatial information, amino acid conservation, physicochemical variation, residue mobility, and thermodynamic stability) indicates that this missense variant is not expected to disrupt DMD protein function with a negative predictive value of 95%. In summary, the available evidence is currently insufficient to determine the role of this variant in disease. Therefore, it has been classified as a Variant of Uncertain Significance.

Ambry Genetics
Classification: Uncertain significance for Cardiovascular phenotype. Last evaluated: 2022-11-28. Review status: criteria provided, single submitter. Criteria: Ambry Variant Classification Scheme 2023. Collection method: clinical testing. Allele origin: germline.
Comment: The p.H273R variant (also known as c.818A>G), located in coding exon 8 of the DMD gene, results from an A to G substitution at nucleotide position 818. The histidine at codon 273 is replaced by arginine, an amino acid with highly similar properties. Based on data from gnomAD, the G allele has an overall frequency of 0.0005% (1/182868) total alleles studied, with no hemizygotes observed. The highest observed frequency was 0.0076% (1/13153) of African/African American alleles. This amino acid position is not well conserved in available vertebrate species. In addition, this alteration is predicted to be tolerated by in silico analysis. Since supporting evidence is limited at this time, the clinical significance of this alteration remains unclear.

NM_004006.3(DMD):c.818A>G (p.His273Arg)

Gene: DMD (dystrophin; minus strand). Cytogenetic location: Xp21.1.
Variant type: single nucleotide variant.
Coding change: c.818A>G on transcript NM_004006.3 (MANE Select); coding-DNA position 818, A replaced by G.
Protein change: p.His273Arg; replaces histidine 273 with arginine.
Molecular consequence: missense variant.
Genome position (GRCh38, 1-based): chrX:32,699,125, T>C on the plus strand (A>G on the coding strand, the complement: DMD is on the minus strand). VCF-style: chrX-32699125-T-C. GRCh37 (hg19) VCF-style: chrX-32717242-T-C.
Other names: c.794A>G, p.His265Arg (NM_000109.4); c.806A>G, p.His269Arg (NM_004009.3); c.449A>G, p.His150Arg (NM_004010.3); short protein forms H150R, H265R, H273R, H269R.
Identifiers: ClinVar variation 2200247 (VCV002200247.5), dbSNP rs771696085, ClinGen allele CA10380070.
Genomic context (GRCh38, chrX:32,699,125, plus strand): 5'-TAAAACAGAAAACATCTTGAATAGTAGCTGTCCTTTACACACTTTACCTGTTGAGAATAG[T>C]GCATTTGATGATGTAACTGAAAATGTTCTTCTTTAGTCACTTTAGGTGGCCTTGGCAACA-3'
Protein context (NP_003997.2, residues 263-283): EEHFQLHHQM[His273Arg]YSQQITVSLA